The following is an entry in ClinVar:

NM_198576.4(AGRN):c.3217G>A (p.Gly1073Arg)

Gene: AGRN (agrin; plus strand). Cytogenetic location: 1p36.33.
Variant type: single nucleotide variant.
Coding change: c.3217G>A on transcript NM_198576.4 (MANE Select); coding-DNA position 3217, G replaced by A.
Protein change: p.Gly1073Arg; replaces glycine 1073 with arginine.
Molecular consequence: missense variant.
Genome position (GRCh38, 1-based): chr1:1,046,702, G>A. VCF-style: chr1-1046702-G-A. GRCh37 (hg19) VCF-style: chr1-982082-G-A.
Other names: c.3217G>A, p.Gly1073Arg (NM_001305275.2); c.2902G>A, p.Gly968Arg (NM_001364727.2); short protein forms G1073R, G968R.
Identifiers: ClinVar variation 2172380 (VCV002172380.1), dbSNP rs1422207655, ClinGen allele CA337847806.
Genomic context (GRCh38, chr1:1,046,702, plus strand): 5'-GTGGCGTCCGCCTTTGGTGAATCTGGCAGCACTGATGGAAGCAGCGATGAGGAACTGAGC[G>A]GGGACCAGGAGGCCAGTGGGGGTGGCTCTGGGGGTGAGCAGGGATCAAGGACTTGGGGTG-3'
Protein context (NP_940978.2, residues 1063-1083): TDGSSDEELS[Gly1073Arg]DQEASGGGSG

ClinVar aggregate classification (germline): Uncertain significance (1 of 4 stars; one submission).

Conditions:
Congenital myasthenic syndrome 8. Also called: Myasthenic syndrome, congenital, 8, with pre- and postsynaptic defects; MYASTHENIC SYNDROME, CONGENITAL, DUE TO AGRIN DEFICIENCY. Identifiers: Orphanet 590, MedGen C3808739, MONDO:0014052, OMIM 615120.

Allele frequency attached by ClinVar (database versions not stated): gnomAD 0.00001; TOPMed 0.00001; gnomAD exomes 0.00002.

Submission:

Labcorp Genetics (formerly Invitae), Labcorp
Classification: Uncertain significance for Congenital myasthenic syndrome 8. Last evaluated: 2022-05-25. Review status: criteria provided, single submitter. Criteria: Invitae Variant Classification Sherloc (09022015). Collection method: clinical testing. Allele origin: germline.
Comment: This sequence change replaces glycine, which is neutral and non-polar, with arginine, which is basic and polar, at codon 1073 of the AGRN protein (p.Gly1073Arg). The frequency data for this variant in the population databases is considered unreliable, as metrics indicate poor data quality at this position in the gnomAD database. This variant has not been reported in the literature in individuals affected with AGRN-related conditions. Algorithms developed to predict the effect of missense changes on protein structure and function are either unavailable or do not agree on the potential impact of this missense change (SIFT: "Deleterious"; PolyPhen-2: "Possibly Damaging"; Align-GVGD: "Class C0"). In summary, the available evidence is currently insufficient to determine the role of this variant in disease. Therefore, it has been classified as a Variant of Uncertain Significance.